The following is an entry in ClinVar:

ClinVar aggregate classification (germline): Uncertain significance. Review status: criteria provided, multiple submitters, no conflicts (2 of 4 stars). 2 submissions from 2 submitters: Uncertain significance (2). Last evaluated 2022-06-11.

Conditions:
Spermatogenic failure 18. Identifiers: MedGen C4539783, MONDO:0054615, OMIM 617576.
Ciliary dyskinesia, primary, 37 (CILD37). Also called: CILIARY DYSKINESIA, PRIMARY, 37, WITH OR WITHOUT SITUS INVERSUS. Identifiers: MedGen C4539798, MONDO:0033204, OMIM 617577.

Allele frequency attached by ClinVar (database versions not stated): gnomAD 0.00001; ExAC 0.00003; gnomAD exomes 0.00004; TOPMed 0.00005; 1000 Genomes Project 30x 0.00016; 1000 Genomes Project 0.00020.
gnomAD v4.1: 53 of 1,610,936 alleles (0.0033%); highest among the groups gnomAD compares: Admixed American, 0.025%; no homozygotes.

Submissions (2):

Labcorp Genetics (formerly Invitae), Labcorp
Classification: Uncertain significance for Ciliary dyskinesia, primary, 37; Spermatogenic failure 18. Last evaluated: 2022-06-11. Review status: criteria provided, single submitter. Criteria: Invitae Variant Classification Sherloc (09022015). Collection method: clinical testing. Allele origin: germline.
Comment: This sequence change replaces proline, which is neutral and non-polar, with leucine, which is neutral and non-polar, at codon 183 of the DNAH1 protein (p.Pro183Leu). This variant is present in population databases (rs181177631, gnomAD 0.02%). This variant has not been reported in the literature in individuals affected with DNAH1-related conditions. Algorithms developed to predict the effect of missense changes on protein structure and function are either unavailable or do not agree on the potential impact of this missense change (SIFT: "Deleterious"; PolyPhen-2: "Benign"; Align-GVGD: "Class C0"). In summary, the available evidence is currently insufficient to determine the role of this variant in disease. Therefore, it has been classified as a Variant of Uncertain Significance.

AiLife Diagnostics
Classification: Uncertain significance. Last evaluated: 2021-07-02. Review status: criteria provided, single submitter. Criteria: ACMG Guidelines, 2015. Collection method: clinical testing. Allele origin: germline. Affected: yes. Observed: 1 variant allele.

NM_015512.5(DNAH1):c.548C>T (p.Pro183Leu)

Gene: DNAH1 (dynein axonemal heavy chain 1; plus strand). Cytogenetic location: 3p21.1.
Variant type: single nucleotide variant.
Coding change: c.548C>T on transcript NM_015512.5 (MANE Select); coding-DNA position 548, C replaced by T.
Protein change: p.Pro183Leu; replaces proline 183 with leucine.
Molecular consequence: missense variant.
Genome position (GRCh38, 1-based): chr3:52,326,281, C>T. VCF-style: chr3-52326281-C-T. GRCh37 (hg19) VCF-style: chr3-52360297-C-T.
Other names: short protein forms P183L.
Identifiers: ClinVar variation 1409535 (VCV001409535.6), dbSNP rs181177631, ClinGen allele CA2432670.
Genomic context (GRCh38, chr3:52,326,281, plus strand): 5'-AGACTGACTTCCCACTGCAGGCCTACGAGCCCAAGATGCAGGTGCCTTTCCAGGTGCTGC[C>T]AGGCCAGCATCCTCGCAAGATTGAGATCGAGAGGTACGGCTGGGTGGGCTGTGGGGAGAC-3'
Protein context (NP_056327.4, residues 173-193): PKMQVPFQVL[Pro183Leu]GQHPRKIEIE